The following is an entry in ClinVar:

NM_001110219.3(GJB6):c.-295-278G>A

Gene: GJB6 (gap junction protein beta 6; minus strand). Cytogenetic location: 13q12.11.
Variant type: single nucleotide variant.
Coding change: c.-295-278G>A on transcript NM_001110219.3 (MANE Select); 278 bases into the intron before 295 bases upstream of the start codon, G replaced by A.
Molecular consequence: intron variant.
Genome position (GRCh38, 1-based): chr13:20,231,085, C>T on the plus strand (G>A on the coding strand, the complement: GJB6 is on the minus strand). VCF-style: chr13-20231085-C-T. GRCh37 (hg19) VCF-style: chr13-20805224-C-T.
Other names: c.-186+1109G>A (NM_001110221.3); c.-186+297G>A (NM_001370091.1, NM_001110220.3); c.-301-272G>A (NM_001370090.1); c.-295-278G>A (NM_001370092.1).
Identifiers: ClinVar variation 311397 (VCV000311397.7), dbSNP rs573703525, ClinGen allele CA10643008.

ClinVar aggregate classification (germline): Likely benign (1 of 4 stars; one submission).

Conditions:
Hidrotic ectodermal dysplasia syndrome (GJB6). Also called: Hidrotic ectodermal dysplasia; Ectodermal dysplasia 2, hidrotic; Autosomal dominant hidrotic ectodermal dysplasia; Clouston syndrome; Clouston's hidrotic ectodermal dysplasia; CLOUSTON HIDROTIC ECTODERMAL DYSPLASIA. Identifiers: Orphanet 189, MedGen C0162361, MONDO:0007510, OMIM 129500.

Allele frequency attached by ClinVar (database versions not stated): TOPMed 0.00003; gnomAD 0.00022 and 0.00001; 1000 Genomes Project 0.00040; 1000 Genomes Project 30x 0.00094.

Submission:

Illumina Laboratory Services, Illumina
Classification: Likely benign for Hidrotic ectodermal dysplasia syndrome. Last evaluated: 2018-01-13. Review status: criteria provided, single submitter. Criteria: ICSL Variant Classification Criteria 13 December 2019. Collection method: clinical testing. Allele origin: germline.
Comment: This variant was observed in the ICSL laboratory as part of a predisposition screen in an ostensibly healthy population. It had not been previously curated by ICSL or reported in the Human Gene Mutation Database (HGMD: prior to June 1st, 2018), and was therefore a candidate for classification through an automated scoring system. Utilizing variant allele frequency, disease prevalence and penetrance estimates, and inheritance mode, an automated score was calculated to assess if this variant is too frequent to cause the disease. Based on the score and internal cut-off values, a variant classified as likely benign is not then subjected to further curation. The score for this variant resulted in a classification of likely benign for this disease.